The following is an entry in ClinVar:

NM_001377229.1(DISP1):c.2348_2349del (p.Leu783fs)

Gene: DISP1 (dispatched RND transporter family member 1; plus strand). Cytogenetic location: 1q41.
Variant type: Deletion.
Coding change: c.2348_2349del on transcript NM_001377229.1 (MANE Select); coding-DNA positions 2348 to 2349, 2 bases deleted (TC; older notation c.2348_2349delTC).
Protein change: p.Leu783fs; shifts the reading frame from leucine 783.
Molecular consequence: frameshift variant.
Genome position (GRCh38, 1-based): chr1:223,003,745-223,003,746, TC deleted; deleting any 2 consecutive bases within chr1:223,003,744-223,003,746 gives the same sequence; the c. name uses the placement nearest the transcript's 3' end. VCF-style (leftmost placement, unchanged base first): chr1-223003743-GCT-G. GRCh37 (hg19) VCF-style: chr1-223177085-GCT-G.
Other names: c.1619_1620del, p.Leu540fs (NM_001350630.2); c.2348_2349del, p.Leu783fs (NM_001369594.1, NM_001377228.1, NM_032890.5); short protein forms L540fs, L783fs.
Identifiers: ClinVar variation 4891357 (VCV004891357.1).
Genomic context (GRCh38, chr1:223,003,743, plus strand): 5'-GCGTTATGATGCTGAATACAAAAAGCTTTTCATGTTTGAACGTGTTCACCATGGCGAGGA[GCT>G]CCACATGCCCATCACAGTAATCTGGGGCGTGTCCCCAGAAGACAATGGCAACCCACTAAA-3'

ClinVar aggregate classification (germline): Uncertain significance (1 of 4 stars; one submission).

Submission:

GeneDx
Classification: Uncertain significance. Last evaluated: 2023-05-01. Review status: criteria provided, single submitter. Criteria: GeneDx Variant Classification Process June 2021. Collection method: clinical testing. Allele origin: germline.
Comment: Frameshift variant predicted to result in protein truncation as the last 742 amino acids are replaced with 23 different amino acids; Not observed at significant frequency in large population cohorts (gnomAD); Has not been previously published as pathogenic or benign to our knowledge; Variants in candidate genes are classified as variants of uncertain significance in accordance with ACMG guidelines (Richards et al., 2015)